The following is an entry in ClinVar:

ClinVar aggregate classification (germline): Uncertain significance (1 of 4 stars; one submission).

Conditions:
Spastic paraplegia. Identifiers: MedGen C0037772, HP:0001258.

Allele frequency attached by ClinVar (database versions not stated): gnomAD exomes below 0.00001 and 0.00001; TOPMed below 0.00001; gnomAD 0.00001.

Submission:

Labcorp Genetics (formerly Invitae), Labcorp
Classification: Uncertain significance for Spastic paraplegia. Last evaluated: 2023-11-27. Review status: criteria provided, single submitter. Criteria: Invitae Variant Classification Sherloc (09022015). Collection method: clinical testing. Allele origin: germline.
Comment: This sequence change replaces glutamic acid, which is acidic and polar, with valine, which is neutral and non-polar, at codon 145 of the GJC2 protein (p.Glu145Val). This variant is not present in population databases (gnomAD no frequency). This variant has not been reported in the literature in individuals affected with GJC2-related conditions. ClinVar contains an entry for this variant (Variation ID: 1517518). Advanced modeling of protein sequence and biophysical properties (such as structural, functional, and spatial information, amino acid conservation, physicochemical variation, residue mobility, and thermodynamic stability) has been performed at Invitae for this missense variant, however the output from this modeling did not meet the statistical confidence thresholds required to predict the impact of this variant on GJC2 protein function. In summary, the available evidence is currently insufficient to determine the role of this variant in disease. Therefore, it has been classified as a Variant of Uncertain Significance.

NM_020435.4(GJC2):c.434A>T (p.Glu145Val)

Gene: GJC2 (gap junction protein gamma 2; plus strand). Cytogenetic location: 1q42.13.
Variant type: single nucleotide variant.
Coding change: c.434A>T on transcript NM_020435.4 (MANE Select); coding-DNA position 434, A replaced by T.
Protein change: p.Glu145Val; replaces glutamic acid 145 with valine.
Molecular consequence: missense variant.
Genome position (GRCh38, 1-based): chr1:228,158,192, A>T. VCF-style: chr1-228158192-A-T. GRCh37 (hg19) VCF-style: chr1-228345893-A-T.
Other names: short protein forms E145V.
Identifiers: ClinVar variation 1517518 (VCV001517518.8), dbSNP rs1250327843, ClinGen allele CA345097861.